The following is an entry in ClinVar:

ClinVar aggregate classification (germline): Uncertain significance (1 of 4 stars; one submission).

Conditions:
Frontotemporal dementia (FTD1). Also called: Dementia, frontotemporal, with or without parkinsonism; Frontotemporal lobe dementia (FLDEM); Frontotemporal Dementia with Parkinsonism-17 (FTDP-17); FRONTOTEMPORAL DEMENTIA WITH PARKINSONISM; FRONTOTEMPORAL LOBE DEMENTIA; FRONTOTEMPORAL LOBAR DEGENERATION WITH TAU INCLUSIONS. Identifiers: Orphanet 282, MedGen C0338451, MONDO:0017276, OMIM 600274, HP:0002145.

Submission:

Labcorp Genetics (formerly Invitae), Labcorp
Classification: Uncertain significance for Frontotemporal dementia. Last evaluated: 2025-07-02. Review status: criteria provided, single submitter. Criteria: Invitae Variant Classification Sherloc (09022015). Collection method: clinical testing. Allele origin: germline.
Comment: This sequence change replaces glutamic acid, which is acidic and polar, with lysine, which is basic and polar, at codon 342 of the MAPT protein (p.Glu342Lys). This variant is not present in population databases (gnomAD no frequency). This missense change has been observed in individuals with clinical features of frontotemporal dementia and/or progressive supranuclear palsy (PMID: 38134678, 38708005; internal data). Invitae Evidence Modeling of protein sequence and biophysical properties (such as structural, functional, and spatial information, amino acid conservation, physicochemical variation, residue mobility, and thermodynamic stability) has been performed for this missense variant. However, the output from this modeling did not meet the statistical confidence thresholds required to predict the impact of this variant on MAPT protein function. This variant disrupts the p.Glu342 amino acid residue in MAPT. Other variant(s) that disrupt this residue have been observed in individuals with MAPT-related conditions (PMID: 11117541), which suggests that this may be a clinically significant amino acid residue. In summary, the available evidence is currently insufficient to determine the role of this variant in disease. Therefore, it has been classified as a Variant of Uncertain Significance.

Literature cited by the submitters: PubMed 38134678; PubMed 38708005; PubMed 11117541.

NM_001377265.1(MAPT):c.2200G>A (p.Glu734Lys)

Gene: MAPT (microtubule associated protein tau). Cytogenetic location: 17q21.31.
Variant type: single nucleotide variant.
Coding change: c.2200G>A on transcript NM_001377265.1 (MANE Select); coding-DNA position 2200, G replaced by A.
Protein change: p.Glu734Lys; replaces glutamic acid 734 with lysine.
Molecular consequence: missense variant. On other transcripts: non-coding transcript variant (1), intron variant (1).
Genome position (GRCh38, 1-based): chr17:46,018,644, G>A. VCF-style: chr17-46018644-G-A. GRCh37 (hg19) VCF-style: chr17-44096010-G-A.
Other names: c.2029G>A, p.Glu677Lys (NM_001123066.4); c.937G>A, p.Glu313Lys (NM_001123067.4); c.844G>A, p.Glu282Lys (NM_001203251.2); c.931G>A, p.Glu311Lys (NM_001203252.2); c.1909G>A, p.Glu637Lys (NM_001377266.1); c.757G>A, p.Glu253Lys (NM_001377268.1, NM_016841.5); c.1024G>A, p.Glu342Lys (NM_005910.6); c.850G>A, p.Glu284Lys (NM_016834.5); and 2 more; short protein forms E253K, E284K, E282K, E313K, E342K, E659K, E311K, E677K.
Identifiers: ClinVar variation 4742325 (VCV004742325.1).